The following is an entry in ClinVar:

ClinVar aggregate classification (germline): Uncertain significance (1 of 4 stars; one submission).

Conditions:
Salla disease (SD). Also called: Sialuria, Finnish type; N-acetylneuraminic acid (NANA) storage disease (NSD); Infantile sialic acid storage disorder (ISSD); Less Severe FSASD (Salla Disease). Identifiers: Orphanet 309334, Orphanet 834, MedGen C1096903, MONDO:0011449, OMIM 604369.

Submission:

Labcorp Genetics (formerly Invitae), Labcorp
Classification: Uncertain significance for Salla disease. Last evaluated: 2022-07-24. Review status: criteria provided, single submitter. Criteria: Invitae Variant Classification Sherloc (09022015). Collection method: clinical testing. Allele origin: germline.
Comment: This sequence change replaces aspartic acid, which is acidic and polar, with glutamic acid, which is acidic and polar, at codon 12 of the SLC17A5 protein (p.Asp12Glu). This variant is not present in population databases (gnomAD no frequency). In summary, the available evidence is currently insufficient to determine the role of this variant in disease. Therefore, it has been classified as a Variant of Uncertain Significance. Algorithms developed to predict the effect of missense changes on protein structure and function output the following: SIFT: "Tolerated"; PolyPhen-2: "Benign"; Align-GVGD: "Class C0". The glutamic acid amino acid residue is found in multiple mammalian species, which suggests that this missense change does not adversely affect protein function. This variant has not been reported in the literature in individuals affected with SLC17A5-related conditions.

NM_012434.5(SLC17A5):c.36T>A (p.Asp12Glu)

Genes: SLC17A5 (solute carrier family 17 member 5; minus strand), LOC129996727 (ATAC-STARR-seq lymphoblastoid silent region 17338; plus strand). Cytogenetic location: 6q13.
Variant type: single nucleotide variant.
Coding change: c.36T>A on transcript NM_012434.5 (MANE Select); coding-DNA position 36, T replaced by A.
Protein change: p.Asp12Glu; replaces aspartic acid 12 with glutamic acid.
Molecular consequence: missense variant. On other transcripts: initiator codon variant (2).
Genome position (GRCh38, 1-based): chr6:73,653,851, A>T on the plus strand (T>A on the coding strand, the complement: SLC17A5 is on the minus strand). VCF-style: chr6-73653851-A-T. GRCh37 (hg19) VCF-style: chr6-74363574-A-T.
Other names: c.2T>A, p.Met1Lys (NM_001382629.1, NM_001382636.1); c.36T>A, p.Asp12Glu (NM_001382630.1, NM_001382631.1, NM_001382632.1 and 3 more transcripts); short protein forms D12E, M1K.
Identifiers: ClinVar variation 1713681 (VCV001713681.6), dbSNP rs776780567, ClinGen allele CA364720237.